The following is an entry in ClinVar:

NM_021072.4(HCN1):c.2488G>A (p.Gly830Arg)

Gene: HCN1 (hyperpolarization activated cyclic nucleotide gated potassium channel 1; minus strand). Cytogenetic location: 5p12.
Variant type: single nucleotide variant.
Coding change: c.2488G>A on transcript NM_021072.4 (MANE Select); coding-DNA position 2488, G replaced by A.
Protein change: p.Gly830Arg; replaces glycine 830 with arginine.
Molecular consequence: missense variant.
Genome position (GRCh38, 1-based): chr5:45,262,106, C>T on the plus strand (G>A on the coding strand, the complement: HCN1 is on the minus strand). VCF-style: chr5-45262106-C-T. GRCh37 (hg19) VCF-style: chr5-45262208-C-T.
Other names: short protein forms G830R.
Identifiers: ClinVar variation 1464619 (VCV001464619.11), dbSNP rs1484753978, ClinGen allele CA359703242.
Genomic context (GRCh38, chr5:45,262,106, plus strand): 5'-TGGCTCCCGACGACATCTGTCGGAAGAGGGTGACGCGCTGCGGGACAGTGCTCCTGCCCC[C>T]TGCCTGAAGGCCCGTTCCGGGGACCGCCGTCACGGGTTGAGGGATGGAGGCCAGGGACTC-3'
Protein context (NP_066550.2, residues 820-840): TAVPGTGLQA[Gly830Arg]GRSTVPQRVT

ClinVar aggregate classification (germline): Uncertain significance. Review status: criteria provided, multiple submitters, no conflicts (2 of 4 stars). 2 submissions from 2 submitters: Uncertain significance (2). Last evaluated 2021-07-05.

Conditions:
Early-infantile DEE. Also called: Early infantile epileptic encephalopathy with suppression bursts; Early infantile epileptic encephalopathy; Ohtahara syndrome. Identifiers: Orphanet 1934, MedGen C0393706, MONDO:0800491.

Allele frequency attached by ClinVar (database versions not stated): gnomAD exomes below 0.00001.
gnomAD v4.1: 1 of 1,612,816 alleles (0.000062%); highest among the groups gnomAD compares: East Asian, 0.0022%; no homozygotes.

Submissions (2):

Labcorp Genetics (formerly Invitae), Labcorp
Classification: Uncertain significance for Early-infantile DEE. Last evaluated: 2021-07-05. Review status: criteria provided, single submitter. Criteria: Invitae Variant Classification Sherloc (09022015). Collection method: clinical testing. Allele origin: germline.
Comment: This sequence change replaces glycine with arginine at codon 830 of the HCN1 protein (p.Gly830Arg). The glycine residue is highly conserved and there is a moderate physicochemical difference between glycine and arginine. This variant is not present in population databases (ExAC no frequency). This variant has not been reported in the literature in individuals affected with HCN1-related conditions. Advanced modeling of protein sequence and biophysical properties (such as structural, functional, and spatial information, amino acid conservation, physicochemical variation, residue mobility, and thermodynamic stability) performed at Invitae indicates that this missense variant is not expected to disrupt HCN1 protein function. In summary, the available evidence is currently insufficient to determine the role of this variant in disease. Therefore, it has been classified as a Variant of Uncertain Significance.

Revvity Omics, Revvity
Classification: Uncertain significance. Last evaluated: 2021-01-06. Review status: criteria provided, single submitter. Criteria: ACMG Guidelines, 2015. Collection method: clinical testing. Allele origin: germline.